The following is an entry in ClinVar:

ClinVar aggregate classification (germline): Conflicting classifications of pathogenicity. Review status: criteria provided, conflicting classifications (1 of 4 stars). 5 submissions from 5 submitters: Uncertain significance (3); Likely benign (1). 1 of the submissions does not count toward it. Last evaluated 2023-03-23.

Conditions:
Hereditary cancer-predisposing syndrome. Also called: Tumor predisposition; Neoplastic Syndromes, Hereditary; Hereditary Cancer Syndrome; Hereditary neoplastic syndrome. Identifiers: Orphanet 140162, MedGen C0027672, MeSH D009386, MONDO:0015356.
Hereditary breast ovarian cancer syndrome. Also called: Hereditary breast and ovarian cancer syndrome (HBOC); Hereditary breast and ovarian cancer syndrome; Hereditary breast and ovarian cancer; Hereditary breast and/or ovarian cancer syndrome; Breast and ovarian cancer; BRCA1- and BRCA2-Associated Hereditary Breast and Ovarian Cancer. Identifiers: Orphanet 145, MedGen C0677776, MeSH D061325, MONDO:0003582. Disease mechanism: loss of function.
Breast-ovarian cancer, familial, susceptibility to, 1 (BROVCA1). Also called: OVARIAN CANCER, SUSCEPTIBILITY TO; BRCA1 Hereditary Breast and Ovarian Cancer. Identifiers: Orphanet 145, MedGen C2676676, MONDO:0011450, OMIM 604370. Disease mechanism: loss of function.

Submissions (5):

University of Washington Department of Laboratory Medicine, University of Washington
Classification: Likely benign for Hereditary cancer-predisposing syndrome. Last evaluated: 2023-03-23. Review status: criteria provided, single submitter. Criteria: Dines et al. (Genet Med. 2020). Collection method: curation. Allele origin: germline.
Comment: Missense variant in a coldspot region where missense variants are very unlikely to be pathogenic (PMID:31911673).

BRCA1 coldspot (exon 11 using historical exon numbering). Reclassification based on statistical prior probability

Labcorp Genetics (formerly Invitae), Labcorp
Classification: Uncertain significance for Hereditary breast ovarian cancer syndrome. Last evaluated: 2021-08-31. Review status: criteria provided, single submitter. Criteria: Invitae Variant Classification Sherloc (09022015). Collection method: clinical testing. Allele origin: germline.

Color Diagnostics, LLC DBA Color Health
Classification: Uncertain significance for Hereditary cancer-predisposing syndrome. Last evaluated: 2019-04-30. Review status: criteria provided, single submitter. Criteria: ACMG Guidelines, 2015. Collection method: clinical testing. Allele origin: germline.

Ambry Genetics
Classification: Uncertain significance for Hereditary cancer-predisposing syndrome. Last evaluated: 2018-10-30. Review status: criteria provided, single submitter. Criteria: Ambry Variant Classification Scheme 2023. Collection method: clinical testing. Allele origin: germline.
Comment: The p.A854V variant (also known as c.2561C>T), located in coding exon 9 of the BRCA1 gene, results from a C to T substitution at nucleotide position 2561. The alanine at codon 854 is replaced by valine, an amino acid with similar properties. This amino acid position is poorly conserved in available vertebrate species. In addition, this alteration is predicted to be tolerated by in silico analysis. Since supporting evidence is limited at this time, the clinical significance of this alteration remains unclear.

Breast Cancer Information Core (BIC) (BRCA1)
Classification: Uncertain significance for Breast-ovarian cancer, familial 1. Last evaluated: 2004-11-25. Review status: no assertion criteria provided. Collection method: clinical testing. Allele origin: germline. Affected: yes. Observed: 1 variant allele. Not counted in ClinVar's aggregate classification.

NM_007294.4(BRCA1):c.2561C>T (p.Ala854Val)

Gene: BRCA1 (BRCA1 DNA repair associated; minus strand). Cytogenetic location: 17q21.31.
Variant type: single nucleotide variant.
Coding change: c.2561C>T on transcript NM_007294.4 (MANE Select); coding-DNA position 2561, C replaced by T.
Protein change: p.Ala854Val; replaces alanine 854 with valine.
Molecular consequence: missense variant. On other transcripts: intron variant (137).
Genome position (GRCh38, 1-based): chr17:43,092,970, G>A on the plus strand (C>T on the coding strand, the complement: BRCA1 is on the minus strand). VCF-style: chr17-43092970-G-A. GRCh37 (hg19) VCF-style: chr17-41244987-G-A.
Other names: c.2348C>T, p.Ala783Val (NM_001407571.1, NM_001407853.1, NM_001407894.1 and 9 more transcripts); c.2561C>T, p.Ala854Val (NM_001407581.1, NM_001407582.1, NM_001407583.1 and 30 more transcripts); c.2558C>T, p.Ala853Val (NM_001407587.1, NM_001407590.1, NM_001407591.1 and 22 more transcripts); c.2552C>T, p.Ala851Val (NM_001407646.1, NM_001407647.1); c.2438C>T, p.Ala813Val (NM_001407648.1, NM_001407664.1, NM_001407665.1 and 19 more transcripts); c.2435C>T, p.Ala812Val (NM_001407649.1, NM_001407670.1, NM_001407671.1 and 11 more transcripts); c.2483C>T, p.Ala828Val (NM_001407653.1, NM_001407654.1, NM_001407655.1 and 4 more transcripts); c.2480C>T, p.Ala827Val (NM_001407659.1, NM_001407660.1, NM_001407661.1 and 1 more transcripts); and 41 more; short protein forms A854V, A807V, A686V, A786V, A787V, A813V, A558V, A783V.
Identifiers: ClinVar variation 54601 (VCV000054601.15), dbSNP rs80357315, ClinGen allele CA001688.